The following is an entry in ClinVar:

NM_014444.5(TUBGCP4):c.1278A>C (p.Lys426Asn)

Gene: TUBGCP4 (tubulin gamma complex component 4; plus strand). Cytogenetic location: 15q15.3.
Variant type: single nucleotide variant.
Coding change: c.1278A>C on transcript NM_014444.5 (MANE Select); coding-DNA position 1278, A replaced by C.
Protein change: p.Lys426Asn; replaces lysine 426 with asparagine.
Molecular consequence: missense variant.
Genome position (GRCh38, 1-based): chr15:43,397,320, A>C. VCF-style: chr15-43397320-A-C. GRCh37 (hg19) VCF-style: chr15-43689518-A-C.
Other names: c.1278A>C, p.Lys426Asn (NM_001286414.3); short protein forms K426N.
Identifiers: ClinVar variation 1515500 (VCV001515500.3), dbSNP rs2142865205, ClinGen allele CA392132385.

ClinVar aggregate classification (germline): Uncertain significance (1 of 4 stars; one submission).

Submission:

Labcorp Genetics (formerly Invitae), Labcorp
Classification: Uncertain significance. Last evaluated: 2021-08-27. Review status: criteria provided, single submitter. Criteria: Invitae Variant Classification Sherloc (09022015). Collection method: clinical testing. Allele origin: germline.
Comment: This sequence change replaces lysine with asparagine at codon 426 of the TUBGCP4 protein (p.Lys426Asn). The lysine residue is highly conserved and there is a moderate physicochemical difference between lysine and asparagine. This variant is not present in population databases (ExAC no frequency). This variant has not been reported in the literature in individuals affected with TUBGCP4-related conditions. Algorithms developed to predict the effect of missense changes on protein structure and function are either unavailable or do not agree on the potential impact of this missense change (SIFT: "Deleterious"; PolyPhen-2: "Benign"; Align-GVGD: "Class C0"). Algorithms developed to predict the effect of sequence changes on RNA splicing suggest that this variant may disrupt the consensus splice site. In summary, the available evidence is currently insufficient to determine the role of this variant in disease. Therefore, it has been classified as a Variant of Uncertain Significance.